The following is an entry in ClinVar:

ClinVar aggregate classification (germline): Pathogenic/Likely pathogenic. Review status: criteria provided, multiple submitters, no conflicts (2 of 4 stars). 7 submissions from 7 submitters: Pathogenic (1); Likely pathogenic (6). Last evaluated 2025-11-24.

Conditions:
Progressive external ophthalmoplegia with mitochondrial DNA deletions, autosomal recessive 3 (PEOB3). Also called: PROGRESSIVE EXTERNAL OPHTHALMOPLEGIA, AUTOSOMAL RECESSIVE 3. Identifiers: Orphanet 254886, MedGen C4310734, MONDO:0014898, OMIM 617069.
Mitochondrial DNA depletion syndrome, myopathic form (MTDPS2). Also called: MITOCHONDRIAL DNA DEPLETION MYOPATHY, TK2-RELATED; MITOCHONDRIAL DNA DEPLETION SYNDROME 2 (MYOPATHIC TYPE); TK2-Related Mitochondrial DNA Maintenance Defect, Myopathic Form. Identifiers: Orphanet 254875, MedGen C3149750, MONDO:0012301, OMIM 609560.
Mitochondrial DNA depletion syndrome. Also called: mitochondrial DNA depletion. Identifiers: Orphanet 35698, MedGen C0342782, MONDO:0018158.
Mitochondrial disease. Also called: Mitochondrial disorder; Mitochondrial disorders. Identifiers: Orphanet 68380, MedGen C0751651, MeSH D028361, MONDO:0044970.

Allele frequency attached by ClinVar (database versions not stated): gnomAD exomes below 0.00001 and 0.00001; TOPMed below 0.00001; ExAC 0.00001.
gnomAD v4.1: 3 of 1,614,044 alleles (0.00019%); highest among the groups gnomAD compares: Admixed American, 0.0017%; no homozygotes.

Submissions (7):

Genomenon, Inc
Classification: Likely pathogenic for Mitochondrial disease. Last evaluated: 2025-11-24. Review status: criteria provided, single submitter. Criteria: Genomenon Sequence Variant Interpretation Standards - Updated. Collection method: curation. Allele origin: germline. Affected: yes.
Comment: TK2 p.Thr64Met (c.191C>T) is a missense variant that changes the amino acid at residue 64 from Threonine to Methionine. It is also described as T106M in the literature. This variant has been observed in multiple probands affected with mitochondrial disease in the compound heterozygous state, with a pathogenic or likely pathogenic variant confirmed in trans in at least one patient, and was found to segregate with disease in at least one family (40089535, 33486010, 15907288). This variant is not present at a significant frequency in gnomAD, and in silico models agree that this variant is possibly or probably damaging. In conclusion, we classify TK2 p.Thr64Met (c.191C>T) as a likely pathogenic variant.

Women's Health and Genetics/Laboratory Corporation of America, LabCorp
Classification: Likely pathogenic for Mitochondrial DNA depletion syndrome. Last evaluated: 2025-09-18. Review status: criteria provided, single submitter. Criteria: LabCorp Variant Classification Summary - May 2015. Collection method: clinical testing. Allele origin: germline.
Comment: Variant summary: TK2 c.191C>T (p.Thr64Met) results in a non-conservative amino acid change located in the Deoxynucleoside kinase domain (IPR031314) of the encoded protein sequence. Algorithms developed to predict the effect of missense changes on protein structure and function all suggest that this variant is likely to be disruptive. The variant allele was found at a frequency of 8e-06 in 251476 control chromosomes. c.191C>T has been observed in compound heterozygous individuals affected with Mitochondrial DNA Depletion Syndrome - TK2 Related (Bychkov_2021, Tulinius_2005). These data indicate that the variant may be associated with disease. To our knowledge, no experimental evidence demonstrating an impact on protein function has been reported. The following publications have been ascertained in the context of this evaluation (PMID: 33486010, 29602790, 15907288). ClinVar contains an entry for this variant (Variation ID: 38979). Based on the evidence outlined above, the variant was classified as likely pathogenic.

Fulgent Genetics
Classification: Likely pathogenic for Mitochondrial DNA depletion syndrome, myopathic form; Progressive external ophthalmoplegia with mitochondrial DNA deletions, autosomal recessive 3. Last evaluated: 2024-05-28. Review status: criteria provided, single submitter. Criteria: ACMG Guidelines, 2015. Collection method: clinical testing. Allele origin: germline.

Labcorp Genetics (formerly Invitae), Labcorp
Classification: Pathogenic. Last evaluated: 2024-05-23. Review status: criteria provided, single submitter. Criteria: Invitae Variant Classification Sherloc (09022015). Collection method: clinical testing. Allele origin: germline.
Comment: This sequence change replaces threonine, which is neutral and polar, with methionine, which is neutral and non-polar, at codon 64 of the TK2 protein (p.Thr64Met). This variant is present in population databases (rs281865487, gnomAD 0.003%). This missense change has been observed in individual(s) with mitochondrial DNA depletion syndrome (PMID: 15907288, 33486010). In at least one individual the data is consistent with being in trans (on the opposite chromosome) from a pathogenic variant. It has also been observed to segregate with disease in related individuals. ClinVar contains an entry for this variant (Variation ID: 38979). Advanced modeling of protein sequence and biophysical properties (such as structural, functional, and spatial information, amino acid conservation, physicochemical variation, residue mobility, and thermodynamic stability) performed at Invitae indicates that this missense variant is expected to disrupt TK2 protein function with a positive predictive value of 80%. For these reasons, this variant has been classified as Pathogenic.

GeneDx
Classification: Likely pathogenic. Last evaluated: 2023-08-30. Review status: criteria provided, single submitter. Criteria: GeneDx Variant Classification Process June 2021. Collection method: clinical testing. Allele origin: germline. Affected: yes.
Comment: Not observed at significant frequency in large population cohorts (gnomAD); In silico analysis supports that this missense variant has a deleterious effect on protein structure/function; This variant is associated with the following publications: (PMID: 15907288, 33486010, 29602790)

Clinical Genetics Laboratory, Skane University Hospital Lund
Classification: Likely pathogenic. Last evaluated: 2023-08-09. Review status: criteria provided, single submitter. Criteria: ACMG Guidelines, 2015. Collection method: clinical testing. Allele origin: germline. Affected: yes.

Department of Pathology and Laboratory Medicine, Sinai Health System
Classification: Likely pathogenic for Mitochondrial DNA depletion syndrome, myopathic form; Progressive external ophthalmoplegia with mitochondrial DNA deletions, autosomal recessive 3. Last evaluated: 2022-11-07. Review status: criteria provided, single submitter. Criteria: ACMG Guidelines, 2015. Collection method: research. Allele origin: germline.

Literature cited by the submitters: PubMed 40089535 (cited by Genomenon, Inc); PubMed 33486010 (cited by 3 submitters); PubMed 15907288 (cited by 3 submitters); PubMed 29602790 (cited by Women's Health and Genetics/Laboratory Corporation of America, LabCorp).

NM_004614.5(TK2):c.191C>T (p.Thr64Met)

Gene: TK2 (thymidine kinase 2; minus strand). Cytogenetic location: 16q21.
Variant type: single nucleotide variant.
Coding change: c.191C>T on transcript NM_004614.5 (MANE Select); coding-DNA position 191, C replaced by T.
Protein change: p.Thr64Met; replaces threonine 64 with methionine.
Molecular consequence: missense variant. On other transcripts: 5 prime UTR variant (1), non-coding transcript variant (1), intron variant (1).
Genome position (GRCh38, 1-based): chr16:66,541,919, G>A on the plus strand (C>T on the coding strand, the complement: TK2 is on the minus strand). VCF-style: chr16-66541919-G-A. GRCh37 (hg19) VCF-style: chr16-66575822-G-A.
Other names: c.98C>T, p.Thr33Met (NM_001172643.1, NM_001271935.1); c.191C>T, p.Thr64Met (NM_001172645.2); c.44C>T, p.Thr15Met (NM_001271934.2); c.-101C>T (NM_001272050.2); c.157-4902C>T (NM_001172644.2); short protein forms T64M, T33M, T15M.
Identifiers: ClinVar variation 38979 (VCV000038979.21), dbSNP rs281865487, ClinGen allele CA343293.